The following is an entry in ClinVar:

NM_031935.3(HMCN1):c.13187T>C (p.Ile4396Thr)

Gene: HMCN1 (hemicentin 1; plus strand). Cytogenetic location: 1q31.1.
Variant type: single nucleotide variant.
Coding change: c.13187T>C on transcript NM_031935.3 (MANE Select); coding-DNA position 13187, T replaced by C.
Protein change: p.Ile4396Thr; replaces isoleucine 4396 with threonine.
Molecular consequence: missense variant.
Genome position (GRCh38, 1-based): chr1:186,130,654, T>C. VCF-style: chr1-186130654-T-C. GRCh37 (hg19) VCF-style: chr1-186099786-T-C.
Other names: short protein forms I4396T.
Identifiers: ClinVar variation 2863216 (VCV002863216.3), dbSNP rs765670708, ClinGen allele CA1294562.

ClinVar aggregate classification (germline): Uncertain significance (1 of 4 stars; one submission).

Allele frequency attached by ClinVar (database versions not stated): gnomAD exomes below 0.00001; ExAC 0.00001.
gnomAD v4.1: 2 of 1,613,346 alleles (0.00012%); highest among the groups gnomAD compares: South Asian, 0.0011%; no homozygotes.

Submission:

Labcorp Genetics (formerly Invitae), Labcorp
Classification: Uncertain significance. Last evaluated: 2023-08-30. Review status: criteria provided, single submitter. Criteria: Invitae Variant Classification Sherloc (09022015). Collection method: clinical testing. Allele origin: germline.
Comment: An algorithm developed to predict the effect of missense changes on protein structure and function (PolyPhen-2) suggests that this variant is likely to be disruptive. This sequence change replaces isoleucine, which is neutral and non-polar, with threonine, which is neutral and polar, at codon 4396 of the HMCN1 protein (p.Ile4396Thr). This variant is present in population databases (rs765670708, gnomAD 0.01%). This variant has not been reported in the literature in individuals affected with HMCN1-related conditions. In summary, the available evidence is currently insufficient to determine the role of this variant in disease. Therefore, it has been classified as a Variant of Uncertain Significance.